The following is an entry in ClinVar:

NM_006445.4(PRPF8):c.5930T>C (p.Ile1977Thr)

Gene: PRPF8 (pre-mRNA processing factor 8; minus strand). Cytogenetic location: 17p13.3.
Variant type: single nucleotide variant.
Coding change: c.5930T>C on transcript NM_006445.4 (MANE Select); coding-DNA position 5930, T replaced by C.
Protein change: p.Ile1977Thr; replaces isoleucine 1977 with threonine.
Molecular consequence: missense variant.
Genome position (GRCh38, 1-based): chr17:1,655,407, A>G on the plus strand (T>C on the coding strand, the complement: PRPF8 is on the minus strand). VCF-style: chr17-1655407-A-G. GRCh37 (hg19) VCF-style: chr17-1558701-A-G.
Other names: short protein forms I1977T.
Identifiers: ClinVar variation 1501417 (VCV001501417.9), dbSNP rs1420322473, ClinGen allele CA397569219.

ClinVar aggregate classification (germline): Uncertain significance. Review status: criteria provided, multiple submitters, no conflicts (2 of 4 stars). 2 submissions from 2 submitters: Uncertain significance (2). Last evaluated 2025-01-13.

Allele frequency attached by ClinVar (database versions not stated): gnomAD exomes below 0.00001 and 0.00001.
gnomAD v4.1: 7 of 1,613,952 alleles (0.00043%); highest among the groups gnomAD compares: Non-Finnish European, 0.00059%; no homozygotes.

Submissions (2):

Labcorp Genetics (formerly Invitae), Labcorp
Classification: Uncertain significance. Last evaluated: 2025-01-13. Review status: criteria provided, single submitter. Criteria: Invitae Variant Classification Sherloc (09022015). Collection method: clinical testing. Allele origin: germline.
Comment: This sequence change replaces isoleucine, which is neutral and non-polar, with threonine, which is neutral and polar, at codon 1977 of the PRPF8 protein (p.Ile1977Thr). This variant is present in population databases (no rsID available, gnomAD 0.0009%). This variant has not been reported in the literature in individuals affected with PRPF8-related conditions. ClinVar contains an entry for this variant (Variation ID: 1501417). Invitae Evidence Modeling of protein sequence and biophysical properties (such as structural, functional, and spatial information, amino acid conservation, physicochemical variation, residue mobility, and thermodynamic stability) indicates that this missense variant is not expected to disrupt PRPF8 protein function with a negative predictive value of 80%. In summary, the available evidence is currently insufficient to determine the role of this variant in disease. Therefore, it has been classified as a Variant of Uncertain Significance.

Blueprint Genetics
Classification: Uncertain significance. Last evaluated: 2022-11-18. Review status: criteria provided, single submitter. Criteria: ACMG Guidelines, 2015. Collection method: clinical testing. Allele origin: germline.